The following is an entry in ClinVar:

ClinVar aggregate classification (germline): Uncertain significance. Review status: criteria provided, multiple submitters, no conflicts (2 of 4 stars). 3 submissions from 3 submitters: Uncertain significance (2). 1 of the submissions does not count toward it. Last evaluated 2025-11-28.

Conditions:
Retinal dystrophy. Also called: Inherited retinal dystrophy. Identifiers: Orphanet 71862, MedGen C0854723, MeSH D058499, MONDO:0019118, HP:0000556.

Allele frequency attached by ClinVar (database versions not stated): ESP Exome Variant Server 0.00015; TOPMed 0.00017; gnomAD 0.00026 and 0.00027; gnomAD exomes 0.00028; 1000 Genomes Project 30x 0.00031; ExAC 0.00031; 1000 Genomes Project 0.00040.
gnomAD v4.1: 397 of 1,608,406 alleles (0.025%); highest among the groups gnomAD compares: Non-Finnish European, 0.027%; no homozygotes.

Submissions (3):

Labcorp Genetics (formerly Invitae), Labcorp
Classification: Uncertain significance. Last evaluated: 2025-11-28. Review status: criteria provided, single submitter. Criteria: Invitae Variant Classification Sherloc (09022015). Collection method: clinical testing. Allele origin: germline.
Comment: This sequence change replaces lysine, which is basic and polar, with glutamic acid, which is acidic and polar, at codon 200 of the CLUAP1 protein (p.Lys200Glu). This variant is present in population databases (rs140896019, gnomAD 0.1%), and has an allele count higher than expected for a pathogenic variant. This variant has not been reported in the literature in individuals affected with CLUAP1-related conditions. ClinVar contains an entry for this variant (Variation ID: 962286). Invitae Evidence Modeling of protein sequence and biophysical properties (such as structural, functional, and spatial information, amino acid conservation, physicochemical variation, residue mobility, and thermodynamic stability) indicates that this missense variant is not expected to disrupt CLUAP1 protein function with a negative predictive value of 80%. In summary, the available evidence is currently insufficient to determine the role of this variant in disease. Therefore, it has been classified as a Variant of Uncertain Significance.

Ambry Genetics
Classification: Uncertain significance. Last evaluated: 2025-08-11. Review status: criteria provided, single submitter. Criteria: Ambry Variant Classification Scheme 2023. Collection method: clinical testing. Allele origin: germline.

Institute of Human Genetics, Univ. Regensburg, Univ. Regensburg
Classification: Uncertain significance for Retinal dystrophy. Last evaluated: 2022-01-01. Review status: no assertion criteria provided. Criteria: ACMG Guidelines, 2015. Collection method: clinical testing. Allele origin: germline. Affected: yes. Not counted in ClinVar's aggregate classification.

NM_015041.3(CLUAP1):c.598A>G (p.Lys200Glu)

Gene: CLUAP1 (clusterin associated protein 1; plus strand). Cytogenetic location: 16p13.3.
Variant type: single nucleotide variant.
Coding change: c.598A>G on transcript NM_015041.3 (MANE Select); coding-DNA position 598, A replaced by G.
Protein change: p.Lys200Glu; replaces lysine 200 with glutamic acid.
Molecular consequence: missense variant.
Genome position (GRCh38, 1-based): chr16:3,519,921, A>G. VCF-style: chr16-3519921-A-G. GRCh37 (hg19) VCF-style: chr16-3569921-A-G.
Other names: c.598A>G (NM_015041.1); c.598A>G, p.Lys200Glu (NM_001330454.2); c.100A>G, p.Lys34Glu (NM_024793.3); short protein forms K200E, K34E.
Identifiers: ClinVar variation 962286 (VCV000962286.10), dbSNP rs140896019, ClinGen allele CA7863799.